The following is an entry in ClinVar:

NM_001113378.2(FANCI):c.503+6T>G

Gene: FANCI (FA complementation group I; plus strand). Cytogenetic location: 15q26.1.
Variant type: single nucleotide variant.
Coding change: c.503+6T>G on transcript NM_001113378.2 (MANE Select); 6 bases into the intron after coding-DNA position 503, T replaced by G.
Molecular consequence: intron variant.
Genome position (GRCh38, 1-based): chr15:89,261,884, T>G. VCF-style: chr15-89261884-T-G. GRCh37 (hg19) VCF-style: chr15-89805115-T-G.
Other names: c.503+6T>G (NM_018193.3, NM_001376911.1); c.224+6T>G (NM_001376910.1).
Identifiers: ClinVar variation 2190782 (VCV002190782.3), dbSNP rs1323152449, ClinGen allele CA619508879.

ClinVar aggregate classification (germline): Uncertain significance (1 of 4 stars; one submission).

Conditions:
Fanconi anemia (FA). Also called: Fanconi's anemia. Identifiers: Orphanet 84, MedGen C0015625, MeSH D005199, MONDO:0019391.

gnomAD v4.1: 3 of 1,613,774 alleles (0.00019%); highest among the groups gnomAD compares: South Asian, 0.0022%; no homozygotes.

Submission:

Labcorp Genetics (formerly Invitae), Labcorp
Classification: Uncertain significance for Fanconi anemia. Last evaluated: 2025-04-17. Review status: criteria provided, single submitter. Criteria: Invitae Variant Classification Sherloc (09022015). Collection method: clinical testing. Allele origin: germline.
Comment: This sequence change falls in intron 6 of the FANCI gene. It does not directly change the encoded amino acid sequence of the FANCI protein. It affects a nucleotide within the consensus splice site. This variant is present in population databases (no rsID available, gnomAD 0.003%). This variant has not been reported in the literature in individuals affected with FANCI-related conditions. ClinVar contains an entry for this variant (Variation ID: 2190782). Variants that disrupt the consensus splice site are a relatively common cause of aberrant splicing (PMID: 17576681, 9536098). Algorithms developed to predict the effect of sequence changes on RNA splicing suggest that this variant may disrupt the consensus splice site. In summary, the available evidence is currently insufficient to determine the role of this variant in disease. Therefore, it has been classified as a Variant of Uncertain Significance.

Literature cited by the submitters: PubMed 17576681; PubMed 9536098.